The following is an entry in ClinVar:

NM_000264.5(PTCH1):c.4096C>A (p.Gln1366Lys)

Gene: PTCH1 (patched 1; minus strand). Cytogenetic location: 9q22.32.
Variant type: single nucleotide variant.
Coding change: c.4096C>A on transcript NM_000264.5 (MANE Select); coding-DNA position 4096, C replaced by A.
Protein change: p.Gln1366Lys; replaces glutamine 1366 with lysine.
Molecular consequence: missense variant. On other transcripts: non-coding transcript variant (1).
Genome position (GRCh38, 1-based): chr9:95,447,160, G>T on the plus strand (C>A on the coding strand, the complement: PTCH1 is on the minus strand). VCF-style: chr9-95447160-G-T. GRCh37 (hg19) VCF-style: chr9-98209442-G-T.
Other names: c.3898C>A, p.Gln1300Lys (NM_001083602.3); c.4093C>A, p.Gln1365Lys (NM_001083603.3); c.3643C>A, p.Gln1215Lys (NM_001083604.3, NM_001083605.3, NM_001083606.3 and 1 more transcripts); c.3940C>A, p.Gln1314Lys (NM_001354918.2); short protein forms Q1215K, Q1300K, Q1314K, Q1365K, Q1366K.
Identifiers: ClinVar variation 3609284 (VCV003609284.2).

ClinVar aggregate classification (germline): Uncertain significance (1 of 4 stars; one submission).

Conditions:
Gorlin syndrome. Also called: Basal cell nevus syndrome; Nevoid Basal Cell Carcinoma Syndrome. Identifiers: Orphanet 377, MedGen C0004779, MONDO:0007187.

gnomAD v4.1: 1 of 1,613,172 alleles (0.000062%); highest among the groups gnomAD compares: Non-Finnish European, 0.000085%; no homozygotes.

Submission:

Labcorp Genetics (formerly Invitae), Labcorp
Classification: Uncertain significance for Gorlin syndrome. Last evaluated: 2025-09-22. Review status: criteria provided, single submitter. Criteria: Invitae Variant Classification Sherloc (09022015). Collection method: clinical testing. Allele origin: germline.
Comment: This sequence change replaces glutamine, which is neutral and polar, with lysine, which is basic and polar, at codon 1366 of the PTCH1 protein (p.Gln1366Lys). This variant is not present in population databases (gnomAD no frequency). This variant has not been reported in the literature in individuals affected with PTCH1-related conditions. ClinVar contains an entry for this variant (Variation ID: 3609284). Invitae Evidence Modeling of protein sequence and biophysical properties (such as structural, functional, and spatial information, amino acid conservation, physicochemical variation, residue mobility, and thermodynamic stability) has been performed for this missense variant. However, the output from this modeling did not meet the statistical confidence thresholds required to predict the impact of this variant on PTCH1 protein function. In summary, the available evidence is currently insufficient to determine the role of this variant in disease. Therefore, it has been classified as a Variant of Uncertain Significance.